The following is an entry in ClinVar:

NM_006231.4(POLE):c.2569T>C (p.Leu857=)

Gene: POLE (DNA polymerase epsilon, catalytic subunit; minus strand). Cytogenetic location: 12q24.33.
Variant type: single nucleotide variant.
Coding change: c.2569T>C on transcript NM_006231.4 (MANE Select); coding-DNA position 2569, T replaced by C.
Protein change: p.Leu857=; no amino-acid change (leucine 857 retained).
Molecular consequence: synonymous variant.
Genome position (GRCh38, 1-based): chr12:132,664,141, A>G on the plus strand (T>C on the coding strand, the complement: POLE is on the minus strand). VCF-style: chr12-132664141-A-G. GRCh37 (hg19) VCF-style: chr12-133240727-A-G.
Identifiers: ClinVar variation 391338 (VCV000391338.12), dbSNP rs763456552, ClinGen allele CA6893493.

ClinVar aggregate classification (germline): Likely benign. Review status: criteria provided, multiple submitters, no conflicts (2 of 4 stars). 3 submissions from 3 submitters: Likely benign (3). Last evaluated 2025-05-14.

Conditions:
Hereditary cancer-predisposing syndrome. Also called: Neoplastic Syndromes, Hereditary; Hereditary Cancer Syndrome; Tumor predisposition; Hereditary neoplastic syndrome. Identifiers: Orphanet 140162, MedGen C0027672, MeSH D009386, MONDO:0015356.

Allele frequency attached by ClinVar (database versions not stated): gnomAD exomes below 0.00001; ExAC 0.00002.
gnomAD v4.1: 1 of 1,614,078 alleles (0.000062%); highest among the groups gnomAD compares: Non-Finnish European, 0.000085%; no homozygotes.

Submissions (3):

Labcorp Genetics (formerly Invitae), Labcorp
Classification: Likely benign. Last evaluated: 2025-05-14. Review status: criteria provided, single submitter. Criteria: Invitae Variant Classification Sherloc (09022015). Collection method: clinical testing. Allele origin: germline.

GeneDx
Classification: Likely benign. Last evaluated: 2016-11-29. Review status: criteria provided, single submitter. Criteria: GeneDx Variant Classification (06012015). Collection method: clinical testing. Allele origin: germline. Affected: yes.
Comment: This variant is considered likely benign or benign based on one or more of the following criteria: it is a conservative change, it occurs at a poorly conserved position in the protein, it is predicted to be benign by multiple in silico algorithms, and/or has population frequency not consistent with disease.

Ambry Genetics
Classification: Likely benign for Hereditary cancer-predisposing syndrome. Last evaluated: 2015-12-17. Review status: criteria provided, single submitter. Criteria: Ambry Variant Classification Scheme 2023. Collection method: clinical testing. Allele origin: germline.